The following is an entry in ClinVar:

NM_000492.4(CFTR):c.2779_2788dup (p.Gly930fs)

Gene: CFTR (CF transmembrane conductance regulator; plus strand). Cytogenetic location: 7q31.2.
Variant type: Duplication.
Coding change: c.2779_2788dup on transcript NM_000492.4 (MANE Select); coding-DNA positions 2779 to 2788, 10 bases duplicated (CTTGCTATGG; older notation c.2779_2788dupCTTGCTATGG).
Protein change: p.Gly930fs; shifts the reading frame from glycine 930.
Molecular consequence: frameshift variant.
Genome position (GRCh38, 1-based): chr7:117,603,653-117,603,662, CTTGCTATGG duplicated; duplicating any 10 consecutive bases within chr7:117,603,652-117,603,662 gives the same sequence; the c. name uses the placement nearest the transcript's 3' end. VCF-style (leftmost placement, unchanged base first): chr7-117603651-T-TGCTTGCTATG. GRCh37 (hg19) VCF-style: chr7-117243705-T-TGCTTGCTATG.
Other names: c.2779_2788dupCTTGCTATGG (NM_000492.3); short protein forms G930fs.
Identifiers: ClinVar variation 4818517 (VCV004818517.1).

ClinVar aggregate classification (germline): Pathogenic (1 of 4 stars; one submission).

Conditions:
CFTR-related disorder (CFTR-RD). Also called: CFTR-related disorders; CFTR-related condition. Identifiers: MedGen C5924204, MONDO:7770004.

Submission:

Natera, Inc.
Classification: Pathogenic for CFTR-related disorders. Last evaluated: 2025-08-28. Review status: criteria provided, single submitter. Criteria: Natera Variant Classification Schema (03/2026). Collection method: clinical testing. Allele origin: germline.
Comment: The c.2779_2788dupCTTGCTATGG variant in CFTR is a frameshift variant predicted to shift the reading frame beginning at codon 930 and leads to a stop codon 48 codons downstream. This variant is expected to result in nonsense mediated decay, truncation, or a dysfunctional protein product. This variant is rare in the general population with a frequency below the threshold expected for the associated phenotype(s). This variant has been observed in one or more individuals affected with the associated recessive disease, as either homozygous or compound heterozygous with a second variant (PMID: 31523618). Given the available evidence, this variant is classified as Pathogenic.

Literature cited by the submitters: PubMed 31523618.